The following is an entry in ClinVar:

ClinVar aggregate classification (germline): Uncertain significance. Review status: criteria provided, multiple submitters, no conflicts (2 of 4 stars). 3 submissions from 3 submitters: Uncertain significance (2). 1 of the submissions does not count toward it. Last evaluated 2024-11-11.

Conditions:
Inborn genetic diseases. Identifiers: MedGen C0950123, MeSH D030342.
TCF3-related disorder. Also called: TCF3-related condition.

Allele frequency attached by ClinVar (database versions not stated): TOPMed 0.00002; ExAC 0.00003.
gnomAD v4.1: 12 of 1,582,160 alleles (0.00076%); highest among the groups gnomAD compares: Middle Eastern, 0.053%; no homozygotes.

Submissions (3):

Labcorp Genetics (formerly Invitae), Labcorp
Classification: Uncertain significance. Last evaluated: 2024-11-11. Review status: criteria provided, single submitter. Criteria: Invitae Variant Classification Sherloc (09022015). Collection method: clinical testing. Allele origin: germline.
Comment: This sequence change replaces glycine, which is neutral and non-polar, with serine, which is neutral and polar, at codon 243 of the TCF3 protein (p.Gly243Ser). This variant is present in population databases (rs751551556, gnomAD 0.01%). This variant has not been reported in the literature in individuals affected with TCF3-related conditions. ClinVar contains an entry for this variant (Variation ID: 2346064). Experimental studies and prediction algorithms are not available or were not evaluated, and the functional significance of this variant is currently unknown. In summary, the available evidence is currently insufficient to determine the role of this variant in disease. Therefore, it has been classified as a Variant of Uncertain Significance.

Ambry Genetics
Classification: Uncertain significance for Inborn genetic diseases. Last evaluated: 2024-08-02. Review status: criteria provided, single submitter. Criteria: Ambry Variant Classification Scheme 2023. Collection method: clinical testing. Allele origin: germline.

PreventionGenetics, part of Exact Sciences
Classification: Uncertain significance for TCF3-related condition. Last evaluated: 2024-08-30. Review status: no assertion criteria provided. Collection method: clinical testing. Allele origin: germline. Not counted in ClinVar's aggregate classification.
Comment: The TCF3 c.727G>A variant is predicted to result in the amino acid substitution p.Gly243Ser. To our knowledge, this variant has not been reported in the literature. This variant is reported in 0.014% of alleles in individuals of Latino descent in gnomAD. At this time, the clinical significance of this variant is uncertain due to the absence of conclusive functional and genetic evidence.

NM_003200.5(TCF3):c.727G>A (p.Gly243Ser)

Gene: TCF3 (transcription factor 3; minus strand). Cytogenetic location: 19p13.3.
Variant type: single nucleotide variant.
Coding change: c.727G>A on transcript NM_003200.5 (MANE Select); coding-DNA position 727, G replaced by A.
Protein change: p.Gly243Ser; replaces glycine 243 with serine.
Molecular consequence: missense variant.
Genome position (GRCh38, 1-based): chr19:1,622,149, C>T on the plus strand (G>A on the coding strand, the complement: TCF3 is on the minus strand). VCF-style: chr19-1622149-C-T. GRCh37 (hg19) VCF-style: chr19-1622148-C-T.
Other names: c.727G>A, p.Gly243Ser (NM_001136139.4, NM_001351778.2, NM_001351779.2); short protein forms G243S.
Identifiers: ClinVar variation 2346064 (VCV002346064.8), dbSNP rs751551556, ClinGen allele CA9050248.